The following is an entry in ClinVar:

ClinVar aggregate classification (germline): Uncertain significance (1 of 4 stars; one submission).

Conditions:
Hereditary cancer-predisposing syndrome. Also called: Neoplastic Syndromes, Hereditary; Tumor predisposition; Hereditary neoplastic syndrome; Hereditary Cancer Syndrome. Identifiers: Orphanet 140162, MedGen C0027672, MeSH D009386, MONDO:0015356.

Submission:

Ambry Genetics
Classification: Uncertain significance for Hereditary cancer-predisposing syndrome. Last evaluated: 2023-12-07. Review status: criteria provided, single submitter. Criteria: Ambry Variant Classification Scheme 2023. Collection method: clinical testing. Allele origin: germline.
Comment: The p.Q550H variant (also known as c.1650A>T), located in coding exon 13 of the TSC1 gene, results from an A to T substitution at nucleotide position 1650. The glutamine at codon 550 is replaced by histidine, an amino acid with highly similar properties. This amino acid position is conserved. In addition, the in silico prediction for this alteration is inconclusive. Since supporting evidence is limited at this time, the clinical significance of this alteration remains unclear.

NM_000368.5(TSC1):c.1650A>T (p.Gln550His)

Gene: TSC1 (TSC complex subunit 1; minus strand). Cytogenetic location: 9q34.13.
Variant type: single nucleotide variant.
Coding change: c.1650A>T on transcript NM_000368.5 (MANE Select); coding-DNA position 1650, A replaced by T.
Protein change: p.Gln550His; replaces glutamine 550 with histidine.
Molecular consequence: missense variant. On other transcripts: non-coding transcript variant (5).
Genome position (GRCh38, 1-based): chr9:132,905,928, T>A on the plus strand (A>T on the coding strand, the complement: TSC1 is on the minus strand). VCF-style: chr9-132905928-T-A. GRCh37 (hg19) VCF-style: chr9-135781315-T-A.
Other names: c.1647A>T, p.Gln549His (NM_001162426.2, NM_001406597.1, NM_001406598.1 and 6 more transcripts); c.1497A>T, p.Gln499His (NM_001162427.2, NM_001406610.1); c.1287A>T, p.Gln429His (NM_001362177.2, NM_001406614.1, NM_001406615.1 and 5 more transcripts); c.1650A>T, p.Gln550His (NM_001406592.1, NM_001406593.1, NM_001406594.1 and 7 more transcripts); c.1494A>T, p.Gln498His (NM_001406611.1, NM_001406612.1, NM_001406613.1); c.1284A>T, p.Gln428His (NM_001406620.1, NM_001406621.1, NM_001406622.1 and 2 more transcripts); c.699A>T, p.Gln233His (NM_001406626.1); c.696A>T, p.Gln232His (NM_001406627.1, NM_001406628.1); and 1 more; short protein forms Q199H, Q232H, Q233H, Q428H, Q429H, Q498H, Q499H, Q549H.
Identifiers: ClinVar variation 3231277 (VCV003231277.1), dbSNP rs2131835379, ClinGen allele CA375364455.
Genomic context (GRCh38, chr9:132,905,928, plus strand): 5'-CCTGTCTCCCGCAGGGCTTTCATCAGCACTGCCGCAGGGCAGGTCTATGGGAGTAAAGGC[T>A]TGCTTTGGTGTGTCAGGCCCAAGCTTGTCCAGGGAGGAGTGTAAAGGCTCAGGGTTCACG-3'
Protein context (NP_000359.1, residues 540-560): LDKLGPDTPK[Gln550His]AFTPIDLPCG